The following is an entry in ClinVar:

NM_145045.5(ODAD3):c.366+7=

Gene: ODAD3 (outer dynein arm docking complex subunit 3; minus strand). Cytogenetic location: 19p13.2.
Variant type: single nucleotide variant.
Coding change: c.366+7= on transcript NM_145045.5 (MANE Select); 7 bases into the intron after coding-DNA position 366, no change from the reference sequence.
Molecular consequence: intron variant.
Genome position: GRCh38 VCF-style: chr19-11430892-C-C. GRCh37 (hg19) VCF-style: chr19-11541712-T-C.
Other names: c.204+7= (NM_001302453.1); c.366+7= (NM_001302454.2); c.366+7A>G (NM_145045.4).
Identifiers: ClinVar variation 262567 (VCV000262567.16), dbSNP rs34094.

ClinVar aggregate classification (germline): Benign. Review status: criteria provided, multiple submitters, no conflicts (2 of 4 stars). 6 submissions from 6 submitters: Benign (6). Last evaluated 2026-02-04.

Conditions:
Primary ciliary dyskinesia 30. Also called: CILIARY DYSKINESIA, PRIMARY, 30, WITH OR WITHOUT SITUS INVERSUS. Identifiers: Orphanet 244, MedGen C4015016, MONDO:0014465, OMIM 616037.

Allele frequency attached by ClinVar (database versions not stated): gnomAD 0.93215 and 0.93432; gnomAD exomes 0.98256; 1000 Genomes Project 30x 0.91209; TOPMed 0.92953.

Submissions (6):

Labcorp Genetics (formerly Invitae), Labcorp
Classification: Benign for Primary ciliary dyskinesia 30. Last evaluated: 2026-02-04. Review status: criteria provided, single submitter. Criteria: Invitae Variant Classification Sherloc (09022015). Collection method: clinical testing. Allele origin: germline.

Blueprint Genetics
Classification: Benign. Last evaluated: 2024-11-28. Review status: criteria provided, single submitter. Criteria: ACMG Guidelines, 2015. Collection method: clinical testing. Allele origin: germline.

GeneDx
Classification: Benign. Last evaluated: 2018-07-09. Review status: criteria provided, single submitter. Criteria: GeneDx Variant Classification Process June 2021. Collection method: clinical testing. Allele origin: germline. Affected: yes.

Laboratory for Molecular Medicine, Mass General Brigham Personalized Medicine
Classification: Benign. Last evaluated: 2016-03-29. Review status: criteria provided, single submitter. Criteria: LMM Criteria. Collection method: clinical testing. Allele origin: germline.
Comment: Variant identified in a genome or exome case(s) and assessed due to predicted null impact of the variant or pathogenic assertions in the literature or databases. Disclaimer: This variant has not undergone full assessment. The following are preliminary notes: Frequency

Breakthrough Genomics
Classification: Benign. Review status: criteria provided, single submitter. Criteria: ACMG Guidelines, 2015. Collection method: not provided. Allele origin: germline. Inheritance: Autosomal recessive inheritance. Affected: yes.

PreventionGenetics, part of Exact Sciences
Classification: Benign. Review status: criteria provided, single submitter. Criteria: ACMG Guidelines, 2015. Collection method: clinical testing. Allele origin: germline.